The following is an entry in ClinVar:

NM_020822.3(KCNT1):c.630G>A (p.Val210=)

Gene: KCNT1 (potassium sodium-activated channel subfamily T member 1; plus strand). Cytogenetic location: 9q34.3.
Variant type: single nucleotide variant.
Coding change: c.630G>A on transcript NM_020822.3 (MANE Select); coding-DNA position 630, G replaced by A.
Protein change: p.Val210=; no amino-acid change (valine 210 retained).
Molecular consequence: synonymous variant.
Genome position (GRCh38, 1-based): chr9:135,757,185, G>A. VCF-style: chr9-135757185-G-A. GRCh37 (hg19) VCF-style: chr9-138649031-G-A.
Other names: c.486G>A, p.Val162= (NM_001272003.2).
Identifiers: ClinVar variation 3763947 (VCV003763947.6).
Genomic context (GRCh38, chr9:135,757,185, plus strand): 5'-GCCCCCGCTGATACCCCCCGTTTGGCCCCAGGGCAACATCTGGGAGCAGATCTTCCGCGT[G>A]TCCTTCGTCCTGGAGATGATCAACACTCTGCCCTTCATCATCACGGTGGGTGAGCCCCAG-3'
Protein context (NP_065873.2, residues 200-220): KGNIWEQIFR[Val210=]SFVLEMINTL

ClinVar aggregate classification (germline): Likely benign. Review status: criteria provided, multiple submitters, no conflicts (2 of 4 stars). 2 submissions from 2 submitters: Likely benign (2). Last evaluated 2026-03-01.

Conditions:
Autosomal dominant nocturnal frontal lobe epilepsy 5. Also called: Epilepsy, nocturnal frontal lobe, 5; CILIARY DYSKINESIA, PRIMARY, 28, WITHOUT SITUS INVERSUS; CILIARY DYSKINESIA, PRIMARY, 28, WITH SITUS INVERSUS; KCNT1-Related Epilepsy. Identifiers: Orphanet 98784, MedGen C3554306, MONDO:0014002, OMIM 615005.
Developmental and epileptic encephalopathy, 14 (DEE14). Also called: Early infantile epileptic encephalopathy 14. Identifiers: Orphanet 293181, MedGen C3554195, MONDO:0013989, OMIM 614959.

Submissions (2):

CeGaT Center for Human Genetics Tuebingen
Classification: Likely benign. Last evaluated: 2026-03-01. Review status: criteria provided, single submitter. Criteria: CeGaT Center For Human Genetics Tuebingen Variant Classification Criteria Version 2. Collection method: clinical testing. Allele origin: germline. Affected: yes. Observed: 1 variant allele.
Comment: KCNT1: PM2:Supporting, BP4, BP7

Labcorp Genetics (formerly Invitae), Labcorp
Classification: Likely benign for Autosomal dominant nocturnal frontal lobe epilepsy 5; Developmental and epileptic encephalopathy, 14. Last evaluated: 2024-06-17. Review status: criteria provided, single submitter. Criteria: Invitae Variant Classification Sherloc (09022015). Collection method: clinical testing. Allele origin: germline.